The following is an entry in ClinVar:

ClinVar aggregate classification (germline): Uncertain significance (1 of 4 stars; one submission).

Conditions:
Familial cold autoinflammatory syndrome 3 (FCAS3). Also called: FAMILIAL ATYPICAL COLD URTICARIA; ANTIBODY DEFICIENCY AND IMMUNE DYSREGULATION, PLCG2-ASSOCIATED. Identifiers: Orphanet 300359, MedGen C3280914, MONDO:0013766, OMIM 614468.

Submission:

Labcorp Genetics (formerly Invitae), Labcorp
Classification: Uncertain significance for Familial cold autoinflammatory syndrome 3. Last evaluated: 2024-02-20. Review status: criteria provided, single submitter. Criteria: Invitae Variant Classification Sherloc (09022015). Collection method: clinical testing. Allele origin: germline.
Comment: This sequence change replaces glutamic acid, which is acidic and polar, with aspartic acid, which is acidic and polar, at codon 1054 of the PLCG2 protein (p.Glu1054Asp). This variant is not present in population databases (gnomAD no frequency). This variant has not been reported in the literature in individuals affected with PLCG2-related conditions. ClinVar contains an entry for this variant (Variation ID: 1436748). An algorithm developed to predict the effect of missense changes on protein structure and function (PolyPhen-2) suggests that this variant is likely to be tolerated. In summary, the available evidence is currently insufficient to determine the role of this variant in disease. Therefore, it has been classified as a Variant of Uncertain Significance.

NM_002661.5(PLCG2):c.3162G>C (p.Glu1054Asp)

Gene: PLCG2 (phospholipase C gamma 2; plus strand). Cytogenetic location: 16q23.3.
Variant type: single nucleotide variant.
Coding change: c.3162G>C on transcript NM_002661.5 (MANE Select); coding-DNA position 3162, G replaced by C.
Protein change: p.Glu1054Asp; replaces glutamic acid 1054 with aspartic acid.
Molecular consequence: missense variant.
Genome position (GRCh38, 1-based): chr16:81,937,867, G>C. VCF-style: chr16-81937867-G-C. GRCh37 (hg19) VCF-style: chr16-81971472-G-C.
Other names: short protein forms E1054D.
Identifiers: ClinVar variation 1436748 (VCV001436748.6), dbSNP rs2143731047, ClinGen allele CA396906851.